The following is an entry in ClinVar:

NM_000052.7(ATP7A):c.565A>G (p.Ile189Val)

Gene: ATP7A (ATPase copper transporting alpha; plus strand). Cytogenetic location: Xq21.1.
Variant type: single nucleotide variant.
Coding change: c.565A>G on transcript NM_000052.7 (MANE Select); coding-DNA position 565, A replaced by G.
Protein change: p.Ile189Val; replaces isoleucine 189 with valine.
Molecular consequence: missense variant.
Genome position (GRCh38, 1-based): chrX:77,988,686, A>G. VCF-style: chrX-77988686-A-G. GRCh37 (hg19) VCF-style: chrX-77244182-A-G.
Other names: p.Ile189Val; c.565A>G, p.Ile189Val (NM_001282224.2); short protein forms I189V.
Identifiers: ClinVar variation 210477 (VCV000210477.71), dbSNP rs2228447, ClinGen allele CA206478.

ClinVar aggregate classification (germline): Benign/Likely benign. Review status: criteria provided, multiple submitters, no conflicts (2 of 4 stars). 12 submissions from 12 submitters: Benign (7); Likely benign (1). 4 of the submissions do not count toward it. Last evaluated 2026-02-03.

Conditions:
Inborn genetic diseases. Identifiers: MedGen C0950123, MeSH D030342.
Ehlers-Danlos syndrome (EDS). Identifiers: Orphanet 98249, MedGen C0013720, MONDO:0020066.
Menkes kinky-hair syndrome (MNK). Also called: Menkes Disease; Copper transport disease; Classic Menkes Disease. Identifiers: Orphanet 565, MedGen C0022716, MONDO:0010651, OMIM 309400.
Cutis laxa, X-linked (OHS). Also called: EDS IX; Occipital horn syndrome. Identifiers: Orphanet 198, MedGen C0268353, MONDO:0010572, OMIM 304150.
X-linked distal spinal muscular atrophy type 3. Also called: SPINAL MUSCULAR ATROPHY, DISTAL, X-LINKED RECESSIVE; NEURONOPATHY, DISTAL HEREDITARY MOTOR, X-LINKED; NEUROPATHY, DISTAL HEREDITARY MOTOR, X-LINKED; ATP7A-Related Distal Motor Neuropathy. Identifiers: Orphanet 139557, MedGen C1845359, MONDO:0010338, OMIM 300489.

Allele frequency attached by ClinVar (database versions not stated): gnomAD 0.00702 and 0.00731; gnomAD exomes 0.00073 and 0.00198; ExAC 0.00265; TOPMed 0.00808; ESP Exome Variant Server 0.00928; 1000 Genomes Project 0.01113; 1000 Genomes Project 30x 0.01186.
gnomAD v4.1: 1,615 of 1,209,342 alleles (0.13%); highest among the groups gnomAD compares: African/African-American, 2.5%; 21 homozygotes.

Submissions (12):

Labcorp Genetics (formerly Invitae), Labcorp
Classification: Benign for X-linked distal spinal muscular atrophy type 3; Cutis laxa, X-linked; Menkes kinky-hair syndrome. Last evaluated: 2026-02-03. Review status: criteria provided, single submitter. Criteria: Invitae Variant Classification Sherloc (09022015). Collection method: clinical testing. Allele origin: germline.

ARUP Laboratories, Molecular Genetics and Genomics, ARUP Laboratories
Classification: Benign. Last evaluated: 2024-06-28. Review status: criteria provided, single submitter. Criteria: ARUP Molecular Germline Variant Investigation Process 2024. Collection method: clinical testing. Allele origin: germline.

Fulgent Genetics
Classification: Benign for X-linked distal spinal muscular atrophy type 3; Cutis laxa, X-linked; Menkes kinky-hair syndrome. Last evaluated: 2021-07-07. Review status: criteria provided, single submitter. Criteria: ACMG Guidelines, 2015. Collection method: clinical testing. Allele origin: unknown.

Genome Diagnostics Laboratory, The Hospital for Sick Children
Classification: Likely benign for Ehlers-Danlos syndrome. Last evaluated: 2020-07-01. Review status: criteria provided, single submitter. Criteria: ACMG Guidelines, 2015. Collection method: clinical testing. Allele origin: germline.

Mayo Clinic Laboratories, Mayo Clinic
Classification: Benign. Last evaluated: 2019-10-30. Review status: criteria provided, single submitter. Criteria: ACMG Guidelines, 2015. Collection method: clinical testing. Allele origin: germline. Observed: 9 variant alleles.

Ambry Genetics
Classification: Benign for Inborn genetic diseases. Last evaluated: 2016-11-04. Review status: criteria provided, single submitter. Criteria: Ambry Variant Classification Scheme 2023. Collection method: clinical testing. Allele origin: germline.

GeneDx
Classification: Benign. Last evaluated: 2015-06-18. Review status: criteria provided, single submitter. Criteria: GeneDx Variant Classification (06012015). Collection method: clinical testing. Allele origin: germline. Affected: yes.
Comment: This variant is considered likely benign or benign based on one or more of the following criteria: it is a conservative change, it occurs at a poorly conserved position in the protein, it is predicted to be benign by multiple in silico algorithms, and/or has population frequency not consistent with disease.

Genetic Services Laboratory, University of Chicago
Classification: Benign. Last evaluated: 2013-02-08. Review status: criteria provided, single submitter. Criteria: ACMG Guidelines, 2007. Collection method: clinical testing. Allele origin: germline.

Natera, Inc.
Classification: Benign for Distal spinal muscular atrophy, X-linked 3; Cutis laxa, X-linked; Menkes kinky-hair syndrome. Last evaluated: 2020-09-16. Review status: no assertion criteria provided. Collection method: clinical testing. Allele origin: germline. Not counted in ClinVar's aggregate classification.

Clinical Genetics, Academic Medical Center
Classification: Benign. Review status: no assertion criteria provided. Collection method: clinical testing. Allele origin: germline. Affected: yes. Study: VKGL Data-share Consensus. Not counted in ClinVar's aggregate classification.

Diagnostic Laboratory, Department of Genetics, University Medical Center Groningen
Classification: Benign. Review status: no assertion criteria provided. Collection method: clinical testing. Allele origin: germline. Affected: yes. Study: VKGL Data-share Consensus. Not counted in ClinVar's aggregate classification.

Laboratory of Diagnostic Genome Analysis, Leiden University Medical Center (LUMC)
Classification: Likely benign. Review status: no assertion criteria provided. Collection method: clinical testing. Allele origin: germline. Affected: yes. Study: VKGL Data-share Consensus. Not counted in ClinVar's aggregate classification.